The following is an entry in ClinVar:

ClinVar aggregate classification (germline): Pathogenic. Review status: criteria provided, multiple submitters, no conflicts (2 of 4 stars). 4 submissions from 4 submitters: Pathogenic (4). Last evaluated 2022-12-21.

Conditions:
FRMD7-related disorders.
Nystagmus 1, congenital, X-linked. Also called: FRMD7-Related Infantile Nystagmus; NYSTAGMUS 1, INFANTILE, X-LINKED; NYSTAGMUS, CONGENITAL MOTOR, 1; NYSTAGMUS, INFANTILE IDIOPATHIC; NYSTAGMUS, INFANTILE PERIODIC ALTERNATING, X-LINKED. Identifiers: MedGen C1839580, MONDO:0010693, OMIM 310700.

Submissions (4):

Labcorp Genetics (formerly Invitae), Labcorp
Classification: Pathogenic. Last evaluated: 2022-12-21. Review status: criteria provided, single submitter. Criteria: Invitae Variant Classification Sherloc (09022015). Collection method: clinical testing. Allele origin: germline.
Comment: This sequence change creates a premature translational stop signal (p.Arg261*) in the FRMD7 gene. It is expected to result in an absent or disrupted protein product. Loss-of-function variants in FRMD7 are known to be pathogenic (PMID: 17013395). This variant is not present in population databases (gnomAD no frequency). This variant has not been reported in the literature in individuals affected with FRMD7-related conditions. ClinVar contains an entry for this variant (Variation ID: 987019). For these reasons, this variant has been classified as Pathogenic.

Blueprint Genetics
Classification: Pathogenic for FRMD7-related disorders. Last evaluated: 2022-07-29. Review status: criteria provided, single submitter. Criteria: ACMG Guidelines, 2015. Collection method: clinical testing. Allele origin: germline. Affected: yes. Observed: 3 variant alleles.

Institute of Medical Genetics and Applied Genomics, University Hospital Tübingen
Classification: Pathogenic. Last evaluated: 2020-10-23. Review status: criteria provided, single submitter. Criteria: ACMG Guidelines, 2015. Collection method: clinical testing. Allele origin: germline. Inheritance: X-linked inheritance. Affected: yes.

Victorian Clinical Genetics Services, Murdoch Childrens Research Institute
Classification: Pathogenic for Nystagmus 1, congenital, X-linked. Last evaluated: 2020-10-19. Review status: criteria provided, single submitter. Criteria: ACMG Guidelines, 2015. Collection method: clinical testing. Allele origin: germline. Inheritance: X-linked inheritance. Affected: yes.
Comment: Based on the classification scheme VCGS_Germline_v1.3.3, this variant is classified as Pathogenic. Following criteria are met: 0102 - Loss of function is a known mechanism of disease in this gene and is associated with X-linked nystagmus (MIM#310700). Dominant negative has also been suggested as a mechanism but further studies are required (PMID: 23406872). (I) 0108 - This gene is associated with X-linked disease. Carrier females may or may not be affected (OMIM, PMID: 22490987). (I) 0112 - The condition associated with this gene has incomplete penetrance. Homozygous females and males show complete penetrance, while heterozygous females have incomplete penetrance (PMID: 22490987, PMID: 19072571). (I) 0201 - Variant is predicted to cause nonsense-mediated decay (NMD) and loss of protein (premature termination codon is located at least 54 nucleotides upstream of the final exon-exon junction). (SP) 0253 - This variant is hemizygous. (I) 0301 - Variant is absent from gnomAD (both v2 and v3). (SP) 0702 - Other NMD-predicted variants comparable to the one identified in this case have strong previous evidence for pathogenicity. These variants have been reported as pathogenic and in patients with idiopathic congenital nystagmus (ClinVar, PMID: 17013395, PMID: 24688117, PMID: 17397053). (SP) 0807 - This variant has no previous evidence of pathogenicity. (I) 0905 - No published segregation evidence has been identified for this variant. (I) 1007 - No published functional evidence has been identified for this variant. (I) 1102 - Strong phenotype match for this individual. (SP) 1208 - Inheritance information for this variant is not currently available in this individual. (I) Legend: (SP) - Supporting pathogenic, (I) - Information, (SB) - Supporting benign

Literature cited by the submitters: PubMed 17013395 (cited by Labcorp Genetics (formerly Invitae), Labcorp and Victorian Clinical Genetics Services, Murdoch Childrens Research Institute); PubMed 17397053 (cited by Victorian Clinical Genetics Services, Murdoch Childrens Research Institute); PubMed 19072571 (cited by Victorian Clinical Genetics Services, Murdoch Childrens Research Institute); PubMed 22490987 (cited by Victorian Clinical Genetics Services, Murdoch Childrens Research Institute); PubMed 23406872 (cited by Victorian Clinical Genetics Services, Murdoch Childrens Research Institute); PubMed 24688117 (cited by Victorian Clinical Genetics Services, Murdoch Childrens Research Institute).

NM_194277.3(FRMD7):c.781C>T (p.Arg261Ter)

Gene: FRMD7 (FERM domain containing 7; minus strand). Cytogenetic location: Xq26.2.
Variant type: single nucleotide variant.
Coding change: c.781C>T on transcript NM_194277.3 (MANE Select); coding-DNA position 781, C replaced by T.
Protein change: p.Arg261Ter; replaces arginine 261 with a stop codon.
Molecular consequence: nonsense.
Genome position (GRCh38, 1-based): chrX:132,082,487, G>A on the plus strand (C>T on the coding strand, the complement: FRMD7 is on the minus strand). VCF-style: chrX-132082487-G-A. GRCh37 (hg19) VCF-style: chrX-131216515-G-A.
Other names: c.736C>T, p.Arg246Ter (NM_001306193.2); c.781C>T (NM_194277.2); short protein forms R246*, R261*.
Identifiers: ClinVar variation 987019 (VCV000987019.10), dbSNP rs1927850772, ClinGen allele CA414680590.
Genomic context (GRCh38, chrX:132,082,487, plus strand): 5'-AAAGCCTGAAGAAAGCATGGTATTCCACACAAGTCTTCCAGAAAGCCTTGCAGGCATCTC[G>A]GCTGGCCATGGTGAACTCCAAGGTATCCTTGCACAACACCTGTATAAACCAATTTCCATT-3'